The following is an entry in ClinVar:

ClinVar aggregate classification (germline): Likely benign. Review status: criteria provided, multiple submitters, no conflicts (2 of 4 stars). 2 submissions from 2 submitters: Likely benign (2). Last evaluated 2025-12-17.

Conditions:
Malignant hyperthermia, susceptibility to, 1 (MHS1). Also called: Malignant hyperthermia suceptibility 1; RYR1-Related Malignant Hyperthermia Susceptibility; Anesthesia related hyperthermia; Malignant hyperpyrexia; Fulminating hyperpyrexia; Pharmacogenic myopathy. Identifiers: Orphanet 423, MedGen C2930980, MONDO:0007783, OMIM 145600.
RYR1-related disorder. Also called: RYR1-related condition; RYR1-related disorders. Identifiers: MedGen CN239331.

Allele frequency attached by ClinVar (database versions not stated): gnomAD exomes below 0.00001 and 0.00001; ExAC 0.00001; gnomAD 0.00001 and 0.00002; TOPMed 0.00001.
gnomAD v4.1: 4 of 1,591,480 alleles (0.00025%); highest among the groups gnomAD compares: African/African-American, 0.0054%; no homozygotes.

Submissions (2):

Labcorp Genetics (formerly Invitae), Labcorp
Classification: Likely benign for RYR1-related disorder. Last evaluated: 2025-12-17. Review status: criteria provided, single submitter. Criteria: Invitae Variant Classification Sherloc (09022015). Collection method: clinical testing. Allele origin: germline.

All of Us Research Program, National Institutes of Health
Classification: Likely benign for Malignant hyperthermia, susceptibility to, 1. Last evaluated: 2023-09-17. Review status: criteria provided, single submitter. Criteria: ACMG Guidelines, 2015. Collection method: clinical testing. Allele origin: germline. Inheritance: Autosomal dominant inheritance. Observed: 2 variant alleles, 2 heterozygotes.
Comment: This study involves interpretation of variants in research participants for the purpose of population health screening. Participant phenotype was not available at the time of variant classification. Additional details can be found in publication PMID: 35346344, PMCID: PMC8962531

NM_000540.3(RYR1):c.15022-11C>T

Gene: RYR1 (ryanodine receptor 1; plus strand). Cytogenetic location: 19q13.2.
Variant type: single nucleotide variant.
Coding change: c.15022-11C>T on transcript NM_000540.3 (MANE Select); 11 bases into the intron before coding-DNA position 15022, C replaced by T.
Molecular consequence: intron variant.
Genome position (GRCh38, 1-based): chr19:38,587,314, C>T. VCF-style: chr19-38587314-C-T. GRCh37 (hg19) VCF-style: chr19-39077954-C-T.
Other names: c.15007-11C>T (NM_001042723.2).
Identifiers: ClinVar variation 1631161 (VCV001631161.9), dbSNP rs763780717, ClinGen allele CA061995.